The following is an entry in ClinVar:

ClinVar aggregate classification (germline): Uncertain significance. Review status: criteria provided, multiple submitters, no conflicts (2 of 4 stars). 2 submissions from 2 submitters: Uncertain significance (2). Last evaluated 2025-12-08.

Conditions:
Congenital contractural arachnodactyly (CCA). Also called: Beals-Hecht syndrome; BEALS SYNDROME; Arthrogryposis, distal, type 9. Identifiers: Orphanet 115, MedGen C0220668, MONDO:0007363, OMIM 121050.

Allele frequency attached by ClinVar (database versions not stated): ExAC 0.00001; gnomAD 0.00001; gnomAD exomes 0.00001; TOPMed 0.00001.
gnomAD v4.1: 14 of 1,613,920 alleles (0.00087%); highest among the groups gnomAD compares: African/African-American, 0.0013%; no homozygotes.

Submissions (2):

Labcorp Genetics (formerly Invitae), Labcorp
Classification: Uncertain significance for Congenital contractural arachnodactyly. Last evaluated: 2025-12-08. Review status: criteria provided, single submitter. Criteria: Invitae Variant Classification Sherloc (09022015). Collection method: clinical testing. Allele origin: germline.
Comment: This sequence change replaces glycine, which is neutral and non-polar, with glutamic acid, which is acidic and polar, at codon 1188 of the FBN2 protein (p.Gly1188Glu). This variant is present in population databases (rs748888503, gnomAD 0.0009%). This variant has not been reported in the literature in individuals affected with FBN2-related conditions. ClinVar contains an entry for this variant (Variation ID: 213310). Invitae Evidence Modeling of protein sequence and biophysical properties (such as structural, functional, and spatial information, amino acid conservation, physicochemical variation, residue mobility, and thermodynamic stability) indicates that this missense variant is expected to disrupt FBN2 protein function with a positive predictive value of 80%. In summary, the available evidence is currently insufficient to determine the role of this variant in disease. Therefore, it has been classified as a Variant of Uncertain Significance.

GeneDx
Classification: Uncertain significance. Last evaluated: 2015-04-17. Review status: criteria provided, single submitter. Criteria: GeneDx Variant Classification (06012015). Collection method: clinical testing. Allele origin: germline. Affected: yes.
Comment: p.Gly1188Glu (G1188E) GGA>GAA: c.3563 G>A in exon 27 of the FBN2 gene (NM_001999.3) The G1188E variant has not been published as a mutation, nor has it been reported as a benign polymorphism to our knowledge. The G1188E variant was not observed in approximately 6500 individuals of European and African American ancestry in the NHLBI Exome Sequencing Project, indicating it is not a common benign variant in these populations. Additionally, the G1188E variant is a non-conservative amino acid substitution, which is likely to impact secondary protein structure as these residues differ in polarity, charge, size and/or other properties. This substitution occurs at a position that is conserved across species. In silico analysis predicts this variant is probably damaging to the protein structure/function. Furthermore, missense mutations in nearby residues (G1179C, C1198Y) have been reported in association with contractural arachnodactyly, supporting the functional importance of this region of the protein. The G1188E variant is located in the calcium-binding EGF-like domain of the FBN2 gene. However, the G1188E variant does not affect a Cysteine residue within a calcium-binding EGF-like domain of the FBN2 gene. Cysteine substitutions in the calcium-binding EGF-like domains represent the majority of pathogenic missense changes associated with congenital arachnodactyly (Collod-Beroud et al., 2003). Therefore, based on the currently available information, it is unclear whether this variant is a pathogenic mutation or a rare benign variant. This variant was found in TAADV2-1

NM_001999.4(FBN2):c.3563G>A (p.Gly1188Glu)

Gene: FBN2 (fibrillin 2; minus strand). Cytogenetic location: 5q23.3.
Variant type: single nucleotide variant.
Coding change: c.3563G>A on transcript NM_001999.4 (MANE Select); coding-DNA position 3563, G replaced by A.
Protein change: p.Gly1188Glu; replaces glycine 1188 with glutamic acid.
Molecular consequence: missense variant.
Genome position (GRCh38, 1-based): chr5:128,338,032, C>T on the plus strand (G>A on the coding strand, the complement: FBN2 is on the minus strand). VCF-style: chr5-128338032-C-T. GRCh37 (hg19) VCF-style: chr5-127673724-C-T.
Other names: short protein forms G1188E.
Identifiers: ClinVar variation 213310 (VCV000213310.8), dbSNP rs748888503, ClinGen allele CA321793.